The following is an entry in ClinVar:

ClinVar aggregate classification (germline): Uncertain significance (1 of 4 stars; one submission).

Conditions:
Autosomal recessive nonsyndromic hearing loss 18A. Also called: DEAFNESS, AUTOSOMAL RECESSIVE 18; Deafness, autosomal recessive 18A. Identifiers: Orphanet 90636, MedGen C1865870, MONDO:0011192, OMIM 602092.

gnomAD v4.1: 6 of 1,613,168 alleles (0.00037%); highest among the groups gnomAD compares: Non-Finnish European, 0.00051%; no homozygotes.

Submission:

Baylor Genetics
Classification: Uncertain significance for Autosomal recessive nonsyndromic hearing loss 18A. Last evaluated: 2020-07-30. Review status: criteria provided, single submitter. Criteria: ACMG Guidelines, 2015. Collection method: clinical testing. Allele origin: unknown. Affected: yes.
Comment: This variant was determined to be of uncertain significance according to ACMG Guidelines, 2015 [PMID:25741868].

NM_153676.4(USH1C):c.1910C>G (p.Thr637Ser)

Gene: USH1C (USH1 protein network component harmonin; minus strand). Cytogenetic location: 11p15.1.
Variant type: single nucleotide variant.
Coding change: c.1910C>G on transcript NM_153676.4 (MANE Select); coding-DNA position 1910, C replaced by G.
Protein change: p.Thr637Ser; replaces threonine 637 with serine.
Molecular consequence: missense variant. On other transcripts: intron variant (2).
Genome position (GRCh38, 1-based): chr11:17,509,459, G>C on the plus strand (C>G on the coding strand, the complement: USH1C is on the minus strand). VCF-style: chr11-17509459-G-C. GRCh37 (hg19) VCF-style: chr11-17531006-G-C.
Other names: c.1228-7479C>G (NM_001297764.2); c.1285-7479C>G (NM_005709.4); short protein forms T637S.
Identifiers: ClinVar variation 1030295 (VCV001030295.1), dbSNP rs754365594, ClinGen allele CA379773224.